The following is an entry in ClinVar:

ClinVar aggregate classification (germline): Pathogenic/Likely pathogenic. Review status: criteria provided, multiple submitters, no conflicts (2 of 4 stars). 4 submissions from 4 submitters: Pathogenic (3); Likely pathogenic (1). Last evaluated 2025-03-14.

Conditions:
Hypertrophic cardiomyopathy 4. Also called: Familial hypertrophic cardiomyopathy 4. Identifiers: MedGen C1861862, MONDO:0007268, OMIM 115197.
Hypertrophic cardiomyopathy. Also called: HYPERTROPHIC MYOCARDIOPATHY. Identifiers: Orphanet 217569, MedGen C0007194, MeSH D002312, MONDO:0005045, HP:0001639.

Submissions (4):

Labcorp Genetics (formerly Invitae), Labcorp
Classification: Pathogenic for Hypertrophic cardiomyopathy. Last evaluated: 2025-03-14. Review status: criteria provided, single submitter. Criteria: Invitae Variant Classification Sherloc (09022015). Collection method: clinical testing. Allele origin: germline.
Comment: This sequence change creates a premature translational stop signal (p.Gln689*) in the MYBPC3 gene. It is expected to result in an absent or disrupted protein product. Loss-of-function variants in MYBPC3 are known to be pathogenic (PMID: 19574547). This variant is not present in population databases (gnomAD no frequency). This premature translational stop signal has been observed in individual(s) with hypertrophic cardiomyopathy (PMID: 27532257). ClinVar contains an entry for this variant (Variation ID: 216055). Algorithms developed to predict the effect of sequence changes on RNA splicing suggest that this variant may disrupt the consensus splice site. For these reasons, this variant has been classified as Pathogenic.

Dasa
Classification: Pathogenic. Last evaluated: 2024-09-20. Review status: criteria provided, single submitter. Criteria: DASA Assertion Criteria. Collection method: clinical testing. Allele origin: germline.
Comment: NM_000256.3(MYBPC3):c.2065C>T (p.Gln689*) introduces a premature termination codon predicted to result in loss of normal protein function. Loss-of-function is an established mechanism of disease for this gene. Based on the available data, this variant is classified as pathogenic.

Victorian Clinical Genetics Services, Murdoch Childrens Research Institute
Classification: Pathogenic for Hypertrophic cardiomyopathy 4. Last evaluated: 2020-06-11. Review status: criteria provided, single submitter. Criteria: ACMG Guidelines, 2015. Collection method: clinical testing. Allele origin: germline. Affected: yes.
Comment: Based on the classification scheme VCGS_Germline_v1.1.1, this variant is classified as Pathogenic. Following criteria are met: 0102 - Loss of function is a known mechanism of disease for this gene. (N) 0108 - This gene is known to be associated with both recessive and dominant disease. Heterozygous variants are frequently reported in adult onset conditions, however, recessive inheritance results in a more severe early onset phenotype (OMIM). (N) 0201 - Variant is predicted to cause nonsense-mediated decay (NMD) and loss of protein (exon 21 of 35). (P) 0251 - Variant is heterozygous. (N) 0301 - Variant is absent from gnomAD. (P) 0701 - Comparable variants have very strong previous evidence for pathogenicity. Multiple other NMD-predicted variants have previously been reported as pathogenic (ClinVar). (P) 0802 - Moderate previous evidence of pathogenicity in unrelated individuals. This variant has previously been reported as pathogenic in at least three patients with hypertrophic cardiomyopathy (ClinVar, PMID: 27532257). (P) 0905 - No segregation evidence has been identified for this variant. (N) 1007 - No published functional evidence has been identified for this variant. (N) 1208 - Inheritance information for this variant is not currently available. (N) Legend: (P) - Pathogenic, (N) - Neutral, (B) - Benign

Laboratory of Genetics and Molecular Cardiology, University of São Paulo
Classification: Likely pathogenic for Hypertrophic cardiomyopathy 4. Review status: criteria provided, single submitter. Criteria: LGCM Criteria August 2015. Collection method: clinical testing. Allele origin: germline. Inheritance: Autosomal dominant inheritance. Affected: yes. Observed: 1 variant allele. Study: Sarcomeric Human Cardiomyopathy Registry (ShaRe).

Literature cited by the submitters: PubMed 19574547 (cited by Labcorp Genetics (formerly Invitae), Labcorp); PubMed 27532257 (cited by Labcorp Genetics (formerly Invitae), Labcorp and Victorian Clinical Genetics Services, Murdoch Childrens Research Institute).

NM_000256.3(MYBPC3):c.2065C>T (p.Gln689Ter)

Gene: MYBPC3 (myosin binding protein C3; minus strand). Cytogenetic location: 11p11.2.
Variant type: single nucleotide variant.
Coding change: c.2065C>T on transcript NM_000256.3 (MANE Select); coding-DNA position 2065, C replaced by T.
Protein change: p.Gln689Ter; replaces glutamine 689 with a stop codon.
Molecular consequence: nonsense.
Genome position (GRCh38, 1-based): chr11:47,339,653, G>A on the plus strand (C>T on the coding strand, the complement: MYBPC3 is on the minus strand). VCF-style: chr11-47339653-G-A. GRCh37 (hg19) VCF-style: chr11-47361204-G-A.
Other names: short protein forms Q689*.
Identifiers: ClinVar variation 216055 (VCV000216055.10), dbSNP rs863224483, ClinGen allele CA279293.